The following is an entry in ClinVar:

ClinVar aggregate classification (germline): Uncertain significance. Review status: criteria provided, multiple submitters, no conflicts (2 of 4 stars). 3 submissions from 3 submitters: Uncertain significance (3). Last evaluated 2025-10-18.

Conditions:
Hereditary cancer-predisposing syndrome. Also called: Hereditary Cancer Syndrome; Hereditary neoplastic syndrome; Neoplastic Syndromes, Hereditary; Tumor predisposition. Identifiers: Orphanet 140162, MedGen C0027672, MeSH D009386, MONDO:0015356.

Allele frequency attached by ClinVar (database versions not stated): ExAC 0.00001; gnomAD 0.00002; TOPMed 0.00002; ESP Exome Variant Server 0.00008.

Submissions (3):

Labcorp Genetics (formerly Invitae), Labcorp
Classification: Uncertain significance. Last evaluated: 2025-10-18. Review status: criteria provided, single submitter. Criteria: Invitae Variant Classification Sherloc (09022015). Collection method: clinical testing. Allele origin: germline.
Comment: This sequence change replaces glutamic acid, which is acidic and polar, with lysine, which is basic and polar, at codon 488 of the POLE protein (p.Glu488Lys). This variant is present in population databases (rs375615461, gnomAD 0.0009%). This variant has not been reported in the literature in individuals affected with POLE-related conditions. ClinVar contains an entry for this variant (Variation ID: 405749). Invitae Evidence Modeling of protein sequence and biophysical properties (such as structural, functional, and spatial information, amino acid conservation, physicochemical variation, residue mobility, and thermodynamic stability) indicates that this missense variant is not expected to disrupt POLE protein function with a negative predictive value of 80%. In summary, the available evidence is currently insufficient to determine the role of this variant in disease. Therefore, it has been classified as a Variant of Uncertain Significance.

Ambry Genetics
Classification: Uncertain significance for Hereditary cancer-predisposing syndrome. Last evaluated: 2024-12-26. Review status: criteria provided, single submitter. Criteria: Ambry Variant Classification Scheme 2023. Collection method: clinical testing. Allele origin: germline.
Comment: The p.E488K variant (also known as c.1462G>A), located in coding exon 14 of the POLE gene, results from a G to A substitution at nucleotide position 1462. The glutamic acid at codon 488 is replaced by lysine, an amino acid with similar properties. This amino acid position is well conserved in available vertebrate species. In addition, the in silico prediction for this alteration is inconclusive. The evidence for this gene-disease relationship is limited; therefore, the clinical significance of this alteration is unclear.

GeneDx
Classification: Uncertain significance. Last evaluated: 2023-06-08. Review status: criteria provided, single submitter. Criteria: GeneDx Variant Classification Process June 2021. Collection method: clinical testing. Allele origin: germline. Affected: yes.
Comment: Not observed at significant frequency in large population cohorts (gnomAD); In silico analysis supports that this missense variant has a deleterious effect on protein structure/function; Has not been previously published as pathogenic or benign to our knowledge

NM_006231.4(POLE):c.1462G>A (p.Glu488Lys)

Gene: POLE (DNA polymerase epsilon, catalytic subunit; minus strand). Cytogenetic location: 12q24.33.
Variant type: single nucleotide variant.
Coding change: c.1462G>A on transcript NM_006231.4 (MANE Select); coding-DNA position 1462, G replaced by A.
Protein change: p.Glu488Lys; replaces glutamic acid 488 with lysine.
Molecular consequence: missense variant.
Genome position (GRCh38, 1-based): chr12:132,673,175, C>T on the plus strand (G>A on the coding strand, the complement: POLE is on the minus strand). VCF-style: chr12-132673175-C-T. GRCh37 (hg19) VCF-style: chr12-133249761-C-T.
Other names: c.1462G>A (NM_006231.2); short protein forms E488K.
Identifiers: ClinVar variation 405749 (VCV000405749.10), dbSNP rs375615461, ClinGen allele CA6893958.